The following is an entry in ClinVar:

ClinVar aggregate classification (germline): Pathogenic (1 of 4 stars; one submission).

Conditions:
Neurofibromatosis, type 1 (NF1). Also called: VON RECKLINGHAUSEN DISEASE; Neurofibromatosis, type I; Peripheral type neurofibromatosis; NEUROFIBROMATOSIS, TYPE I, SOMATIC. Identifiers: Orphanet 636, MedGen C0027831, MONDO:0018975, OMIM 162200. Disease mechanism: loss of function.

Submission:

Labcorp Genetics (formerly Invitae), Labcorp
Classification: Pathogenic for Neurofibromatosis, type 1. Last evaluated: 2023-12-26. Review status: criteria provided, single submitter. Criteria: Invitae Variant Classification Sherloc (09022015). Collection method: clinical testing. Allele origin: unknown.
Comment: This variant is a gross deletion of the genomic region encompassing exon(s) 39 of the NF1 gene. This deletion is out-of-frame, and is expected to create a premature termination codon and result in an absent or disrupted protein product. Loss-of-function variants in NF1 are known to be pathogenic (PMID: 10712197, 23913538). A similar copy number variant has been observed in individual(s) with neurofibromatosis type 1 (PMID: 16283621). This variant is also known as deletion of exon 31 1n the literature. For these reasons, this variant has been classified as Pathogenic.

Literature cited by the submitters: PubMed 10712197; PubMed 23913538; PubMed 16283621.

NC_000017.10:g.(?_29661577)_(29662069_?)del

Gene: NF1 (neurofibromin 1; plus strand). Cytogenetic location: 17q11.2.
Variant type: Deletion.
Identifiers: ClinVar variation 3242849 (VCV003242849.1).